The following is an entry in ClinVar:

NM_001035.3(RYR2):c.3871G>C (p.Gly1291Arg)

Genes: RYR2 (ryanodine receptor 2; plus strand), LOC126806067 (BRD4-independent group 4 enhancer GRCh37_chr1:237753258-237754457; plus strand). Cytogenetic location: 1q43.
Variant type: single nucleotide variant.
Coding change: c.3871G>C on transcript NM_001035.3 (MANE Select); coding-DNA position 3871, G replaced by C.
Protein change: p.Gly1291Arg; replaces glycine 1291 with arginine.
Molecular consequence: missense variant.
Genome position (GRCh38, 1-based): chr1:237,590,703, G>C. VCF-style: chr1-237590703-G-C. GRCh37 (hg19) VCF-style: chr1-237754003-G-C.
Other names: short protein forms G1291R.
Identifiers: ClinVar variation 1332445 (VCV001332445.3), dbSNP rs2148436857, ClinGen allele CA345397258.

ClinVar aggregate classification (germline): Uncertain significance (1 of 4 stars; one submission).

Conditions:
Cardiomyopathy (CMYO). Also called: Cardiomyopathies. Identifiers: Orphanet 167848, MedGen C0878544, MONDO:0004994, HP:0001638. Inheritance: Various modes of inheritance.

gnomAD v4.1: 4 of 1,597,538 alleles (0.00025%); highest among the groups gnomAD compares: Non-Finnish European, 0.00034%; no homozygotes.

Submission:

Color Diagnostics, LLC DBA Color Health
Classification: Uncertain significance for Cardiomyopathy. Last evaluated: 2024-03-06. Review status: criteria provided, single submitter. Criteria: ACMG Guidelines, 2015. Collection method: clinical testing. Allele origin: germline.
Comment: This missense variant replaces glycine with arginine at codon 1291 of the RYR2 protein. Computational prediction is inconclusive regarding the impact of this variant on protein structure and function (internally defined REVEL score threshold 0.5 < inconclusive < 0.7, PMID: 27666373). To our knowledge, functional studies have not been reported for this variant. This variant has not been reported in individuals affected with cardiovascular disorders in the literature. This variant has not been identified in the general population by the Genome Aggregation Database (gnomAD). The available evidence is insufficient to determine the role of this variant in disease conclusively. Therefore, this variant is classified as a Variant of Uncertain Significance.